The following is an entry in ClinVar:

NM_004006.3(DMD):c.1666G>A (p.Asp556Asn)

Gene: DMD (dystrophin; minus strand). Cytogenetic location: Xp21.1.
Variant type: single nucleotide variant.
Coding change: c.1666G>A on transcript NM_004006.3 (MANE Select); coding-DNA position 1666, G replaced by A.
Protein change: p.Asp556Asn; replaces aspartic acid 556 with asparagine.
Molecular consequence: missense variant.
Genome position (GRCh38, 1-based): chrX:32,573,783, C>T on the plus strand (G>A on the coding strand, the complement: DMD is on the minus strand). VCF-style: chrX-32573783-C-T. GRCh37 (hg19) VCF-style: chrX-32591900-C-T.
Other names: p.D556N:GAC>AAC; c.1642G>A, p.Asp548Asn (NM_000109.4); c.1654G>A, p.Asp552Asn (NM_004009.3); c.1297G>A, p.Asp433Asn (NM_004010.3); short protein forms D556N, D552N, D433N, D548N.
Identifiers: ClinVar variation 201729 (VCV000201729.32), dbSNP rs182708940, ClinGen allele CA308337.

ClinVar aggregate classification (germline): Benign/Likely benign. Review status: criteria provided, multiple submitters, no conflicts (2 of 4 stars). 10 submissions from 10 submitters: Benign (5); Likely benign (4). 1 of the submissions does not count toward it. Last evaluated 2026-02-02.

Conditions:
Dystrophin deficiency.
Duchenne muscular dystrophy (DMD). Also called: Duchenne Muscular Dystrophy (DMD); MUSCULAR DYSTROPHY, PSEUDOHYPERTROPHIC PROGRESSIVE, DUCHENNE TYPE. Identifiers: Orphanet 98896, MedGen C0013264, MONDO:0010679, OMIM 310200.
Becker muscular dystrophy (BMD). Also called: Becker Muscular Dystrophy (BMD); MUSCULAR DYSTROPHY, PSEUDOHYPERTROPHIC PROGRESSIVE, BECKER TYPE. Identifiers: Orphanet 98895, MedGen C0917713, MONDO:0010311, OMIM 300376.
Cardiomyopathy (CMYO). Also called: Cardiomyopathies. Identifiers: Orphanet 167848, MedGen C0878544, MONDO:0004994, HP:0001638. Inheritance: Various modes of inheritance.
Cardiovascular phenotype. Identifiers: MedGen CN230736.
Dilated cardiomyopathy 3B (CMD3B). Also called: CMD3B: DMD-Related Dilated Cardiomyopathy; CARDIOMYOPATHY, DILATED, X-LINKED; DMD-Associated Dilated Cardiomyopathy. Identifiers: Orphanet 154, MedGen C3668940, MONDO:0010542, OMIM 302045.

Allele frequency attached by ClinVar (database versions not stated): gnomAD 0.00020 and 0.00028; gnomAD exomes 0.00021 and 0.00070; TOPMed 0.00058; ExAC 0.00067; 1000 Genomes Project 30x 0.00104; 1000 Genomes Project 0.00132.
gnomAD v4.1: 268 of 1,210,208 alleles (0.022%); highest among the groups gnomAD compares: East Asian, 0.64%; 1 homozygote.

Submissions (10):

Labcorp Genetics (formerly Invitae), Labcorp
Classification: Benign for Duchenne muscular dystrophy. Last evaluated: 2026-02-02. Review status: criteria provided, single submitter. Criteria: Invitae Variant Classification Sherloc (09022015). Collection method: clinical testing. Allele origin: germline.

Women's Health and Genetics/Laboratory Corporation of America, LabCorp
Classification: Likely benign. Last evaluated: 2024-11-10. Review status: criteria provided, single submitter. Criteria: LabCorp Variant Classification Summary - May 2015. Collection method: clinical testing. Allele origin: germline.

Blueprint Genetics
Classification: Likely benign. Last evaluated: 2024-10-23. Review status: criteria provided, single submitter. Criteria: ACMG Guidelines, 2015. Collection method: clinical testing. Allele origin: germline.

Ambry Genetics
Classification: Benign for Cardiovascular phenotype. Last evaluated: 2020-01-24. Review status: criteria provided, single submitter. Criteria: Ambry Variant Classification Scheme 2023. Collection method: clinical testing. Allele origin: germline.

Illumina Laboratory Services, Illumina
Classification: Likely benign for Dilated cardiomyopathy 3B. Last evaluated: 2017-04-27. Review status: criteria provided, single submitter. Criteria: ICSL Variant Classification Criteria 13 December 2019. Collection method: clinical testing. Allele origin: germline.
Comment: This variant was observed as part of a predisposition screen in an ostensibly healthy population. A literature search was performed for the gene, cDNA change, and amino acid change (where applicable). No publications were found based on this search. Allele frequency data from public databases allowed determination this variant is unlikely to cause disease. Therefore, this variant is classified as likely benign.

Athena Diagnostics
Classification: Benign. Last evaluated: 2017-04-17. Review status: criteria provided, single submitter. Criteria: Athena Diagnostics Criteria. Collection method: clinical testing. Allele origin: germline.

Center for Pediatric Genomic Medicine, Children's Mercy Hospital and Clinics
Classification: Likely benign. Last evaluated: 2017-03-08. Review status: criteria provided, single submitter. Criteria: ACMG Guidelines, 2015. Collection method: clinical testing. Allele origin: germline.

GeneDx
Classification: Benign. Last evaluated: 2016-08-01. Review status: criteria provided, single submitter. Criteria: GeneDx Variant Classification (06012015). Collection method: clinical testing. Allele origin: germline. Affected: yes.
Comment: This variant is considered likely benign or benign based on one or more of the following criteria: it is a conservative change, it occurs at a poorly conserved position in the protein, it is predicted to be benign by multiple in silico algorithms, and/or has population frequency not consistent with disease.

Eurofins Ntd Llc (ga)
Classification: Benign. Last evaluated: 2016-01-12. Review status: criteria provided, single submitter. Criteria: EGL Classification Definitions 2015. Collection method: clinical testing. Allele origin: germline. Observed: 1 variant allele, 1 heterozygote.

Natera, Inc.
Classification: Likely benign for Becker muscular dystrophy; Cardiomyopathy; Duchenne muscular dystrophy; Dystrophin deficiency. Last evaluated: 2017-11-14. Review status: no assertion criteria provided. Collection method: clinical testing. Allele origin: germline. Not counted in ClinVar's aggregate classification.

Literature cited by the submitters: PubMed 29604111 (cited by Ambry Genetics).